The following is an entry in ClinVar:

NM_025099.6(CTC1):c.1042del (p.Ser348fs)

Gene: CTC1 (CST telomere replication complex component 1; minus strand). Cytogenetic location: 17p13.1.
Variant type: Deletion.
Coding change: c.1042del on transcript NM_025099.6 (MANE Select); coding-DNA position 1042, one base deleted (A; older notation c.1042delA).
Protein change: p.Ser348fs; shifts the reading frame from serine 348.
Molecular consequence: frameshift variant. On other transcripts: non-coding transcript variant (1).
Genome position (GRCh38, 1-based): chr17:8,236,093, T deleted on the plus strand (A on the coding strand, the reverse complement: CTC1 is on the minus strand); the first of 3 consecutive T bases (chr17:8,236,093-8,236,095); deleting any one gives the same sequence. VCF-style (leftmost placement, unchanged base first): chr17-8236092-CT-C. GRCh37 (hg19) VCF-style: chr17-8139410-CT-C.
Other names: short protein forms S348fs.
Identifiers: ClinVar variation 1442522 (VCV001442522.6), dbSNP rs1290803035, ClinGen allele CA624869584.

ClinVar aggregate classification (germline): Pathogenic (1 of 4 stars; one submission).

Conditions:
Dyskeratosis congenita. Identifiers: Orphanet 1775, MedGen C0265965, MONDO:0015780.

Submission:

Labcorp Genetics (formerly Invitae), Labcorp
Classification: Pathogenic for Dyskeratosis congenita. Last evaluated: 2024-02-19. Review status: criteria provided, single submitter. Criteria: Invitae Variant Classification Sherloc (09022015). Collection method: clinical testing. Allele origin: germline.
Comment: This sequence change creates a premature translational stop signal (p.Ser348Valfs*19) in the CTC1 gene. It is expected to result in an absent or disrupted protein product. Loss-of-function variants in CTC1 are known to be pathogenic (PMID: 22267198, 22387016). This variant is present in population databases (no rsID available, gnomAD 0.0009%). This variant has not been reported in the literature in individuals affected with CTC1-related conditions. ClinVar contains an entry for this variant (Variation ID: 1442522). For these reasons, this variant has been classified as Pathogenic.

Literature cited by the submitters: PubMed 22267198; PubMed 22387016.